The following is an entry in ClinVar:

ClinVar aggregate classification (germline): Uncertain significance (1 of 4 stars; one submission).

Allele frequency attached by ClinVar (database versions not stated): gnomAD exomes 0.00001; ExAC 0.00002; 1000 Genomes Project 30x 0.00016; 1000 Genomes Project 0.00020.
gnomAD v4.1: 2 of 1,614,112 alleles (0.00012%); highest among the groups gnomAD compares: Admixed American, 0.0017%; no homozygotes.

Submission:

Labcorp Genetics (formerly Invitae), Labcorp
Classification: Uncertain significance. Last evaluated: 2019-12-27. Review status: criteria provided, single submitter. Criteria: Invitae Variant Classification Sherloc (09022015). Collection method: clinical testing. Allele origin: germline.
Comment: In summary, the available evidence is currently insufficient to determine the role of this variant in disease. Therefore, it has been classified as a Variant of Uncertain Significance. Algorithms developed to predict the effect of sequence changes on RNA splicing suggest that this variant may create or strengthen a splice site, but this prediction has not been confirmed by published transcriptional studies. Algorithms developed to predict the effect of missense changes on protein structure and function are either unavailable or do not agree on the potential impact of this missense change (SIFT: "Tolerated"; PolyPhen-2: "Possibly Damaging"; Align-GVGD: "Class C0"). This variant has not been reported in the literature in individuals with TUBGCP6-related conditions. This variant is present in population databases (rs201069354, ExAC 0.009%). This sequence change replaces aspartic acid with glycine at codon 565 of the TUBGCP6 protein (p.Asp565Gly). The aspartic acid residue is moderately conserved and there is a moderate physicochemical difference between aspartic acid and glycine.

NM_020461.4(TUBGCP6):c.1694A>G (p.Asp565Gly)

Gene: TUBGCP6 (tubulin gamma complex component 6; minus strand). Cytogenetic location: 22q13.33.
Variant type: single nucleotide variant.
Coding change: c.1694A>G on transcript NM_020461.4 (MANE Select); coding-DNA position 1694, A replaced by G.
Protein change: p.Asp565Gly; replaces aspartic acid 565 with glycine.
Molecular consequence: missense variant.
Genome position (GRCh38, 1-based): chr22:50,226,189, T>C on the plus strand (A>G on the coding strand, the complement: TUBGCP6 is on the minus strand). VCF-style: chr22-50226189-T-C. GRCh37 (hg19) VCF-style: chr22-50664618-T-C.
Other names: short protein forms D565G.
Identifiers: ClinVar variation 849104 (VCV000849104.10), dbSNP rs201069354, ClinGen allele CA10308537.